The following is an entry in ClinVar:

NM_133642.5(LARGE1):c.1224C>T (p.Asp408=)

Gene: LARGE1 (LARGE xylosyl- and glucuronyltransferase 1; minus strand). Cytogenetic location: 22q12.3.
Variant type: single nucleotide variant.
Coding change: c.1224C>T on transcript NM_133642.5 (MANE Select); coding-DNA position 1224, C replaced by T.
Protein change: p.Asp408=; no amino-acid change (aspartic acid 408 retained).
Molecular consequence: synonymous variant. On other transcripts: intron variant (2).
Genome position (GRCh38, 1-based): chr22:33,337,709, G>A on the plus strand (C>T on the coding strand, the complement: LARGE1 is on the minus strand). VCF-style: chr22-33337709-G-A. GRCh37 (hg19) VCF-style: chr22-33733695-G-A.
Other names: c.1224C>T (NM_004737.5); c.1224C>T, p.Asp408= (NM_001362949.2, NM_001362951.2, NM_001362953.2 and 6 more transcripts); c.621C>T, p.Asp207= (NM_001378630.1); c.1132-21461C>T (NM_001378629.1); c.529-21461C>T (NM_001378631.1).
Identifiers: ClinVar variation 2048063 (VCV002048063.5), dbSNP rs771369607, ClinGen allele CA10202822.

ClinVar aggregate classification (germline): Likely benign. Review status: criteria provided, single submitter (1 of 4 stars). 2 submissions from 2 submitters: Likely benign (1). 1 of the submissions does not count toward it. Last evaluated 2025-09-07.

Conditions:
LARGE1-related disorder. Also called: LARGE1-related condition.
Muscular dystrophy-dystroglycanopathy type B6 (MDDGB6). Also called: MUSCULAR DYSTROPHY, CONGENITAL, LARGE-RELATED; MUSCULAR DYSTROPHY, CONGENITAL, TYPE 1D; MUSCULAR DYSTROPHY-DYSTROGLYCANOPATHY (CONGENITAL WITH IMPAIRED INTELLECTUAL DEVELOPMENT), TYPE B, 6. Identifiers: MedGen C1837229, MONDO:0012138, OMIM 608840.

Allele frequency attached by ClinVar (database versions not stated): ExAC 0.00001; gnomAD exomes 0.00001; gnomAD 0.00003; TOPMed 0.00004.
gnomAD v4.1: 14 of 1,613,976 alleles (0.00087%); highest among the groups gnomAD compares: East Asian, 0.0022%; no homozygotes.

Submissions (2):

Labcorp Genetics (formerly Invitae), Labcorp
Classification: Likely benign for Muscular dystrophy-dystroglycanopathy type B6. Last evaluated: 2025-09-07. Review status: criteria provided, single submitter. Criteria: Invitae Variant Classification Sherloc (09022015). Collection method: clinical testing. Allele origin: germline.

PreventionGenetics, part of Exact Sciences
Classification: Likely benign for LARGE1-related condition. Last evaluated: 2024-04-23. Review status: no assertion criteria provided. Collection method: clinical testing. Allele origin: germline. Not counted in ClinVar's aggregate classification.
Comment: This variant is classified as likely benign based on ACMG/AMP sequence variant interpretation guidelines (Richards et al. 2015 PMID: 25741868, with internal and published modifications).